The following is an entry in ClinVar:

NM_000381.4(MID1):c.1414C>T (p.Arg472Cys)

Gene: MID1 (midline 1; minus strand). Cytogenetic location: Xp22.2.
Variant type: single nucleotide variant.
Coding change: c.1414C>T on transcript NM_000381.4 (MANE Select); coding-DNA position 1414, C replaced by T.
Protein change: p.Arg472Cys; replaces arginine 472 with cysteine.
Molecular consequence: missense variant.
Genome position (GRCh38, 1-based): chrX:10,459,679, G>A on the plus strand (C>T on the coding strand, the complement: MID1 is on the minus strand). VCF-style: chrX-10459679-G-A. GRCh37 (hg19) VCF-style: chrX-10427719-G-A.
Other names: c.1414C>T (NM_000381.3); c.1414C>T, p.Arg472Cys (NM_001098624.2, NM_001193277.1, NM_001347733.2 and 1 more transcripts); c.1300C>T, p.Arg434Cys (NM_033289.2); short protein forms R434C, R472C.
Identifiers: ClinVar variation 1174928 (VCV001174928.8), dbSNP rs1339922842, ClinGen allele CA412051126.

ClinVar aggregate classification (germline): Uncertain significance. Review status: criteria provided, multiple submitters, no conflicts (2 of 4 stars). 5 submissions from 5 submitters: Uncertain significance (2). 3 of the submissions do not count toward it. Last evaluated 2025-02-12.

Conditions:
Inborn genetic diseases. Identifiers: MedGen C0950123, MeSH D030342.

Allele frequency attached by ClinVar (database versions not stated): gnomAD exomes 0.00001 and 0.00003; TOPMed 0.00003.
gnomAD v4.1: 34 of 1,211,512 alleles (0.0028%); highest among the groups gnomAD compares: Non-Finnish European, 0.0036%; no homozygotes.

Submissions (5):

Labcorp Genetics (formerly Invitae), Labcorp
Classification: Uncertain significance. Last evaluated: 2025-02-12. Review status: criteria provided, single submitter. Criteria: Invitae Variant Classification Sherloc (09022015). Collection method: clinical testing. Allele origin: germline.
Comment: This sequence change replaces arginine, which is basic and polar, with cysteine, which is neutral and slightly polar, at codon 472 of the MID1 protein (p.Arg472Cys). This variant is present in population databases (no rsID available, gnomAD 0.001%). This variant has not been reported in the literature in individuals affected with MID1-related conditions. ClinVar contains an entry for this variant (Variation ID: 1174928). Invitae Evidence Modeling of protein sequence and biophysical properties (such as structural, functional, and spatial information, amino acid conservation, physicochemical variation, residue mobility, and thermodynamic stability) indicates that this missense variant is not expected to disrupt MID1 protein function with a negative predictive value of 80%. In summary, the available evidence is currently insufficient to determine the role of this variant in disease. Therefore, it has been classified as a Variant of Uncertain Significance.

Ambry Genetics
Classification: Uncertain significance for Inborn genetic diseases. Last evaluated: 2023-11-13. Review status: criteria provided, single submitter. Criteria: Ambry Variant Classification Scheme 2023. Collection method: clinical testing. Allele origin: germline.

Clinical Genetics DNA and cytogenetics Diagnostics Lab, Erasmus MC, Erasmus Medical Center
Classification: Uncertain significance. Review status: no assertion criteria provided. Collection method: clinical testing. Allele origin: germline. Affected: yes. Study: VKGL Data-share Consensus. Not counted in ClinVar's aggregate classification.

Diagnostic Laboratory, Department of Genetics, University Medical Center Groningen
Classification: Uncertain significance. Review status: no assertion criteria provided. Collection method: clinical testing. Allele origin: germline. Affected: yes. Study: VKGL Data-share Consensus. Not counted in ClinVar's aggregate classification.

Joint Genome Diagnostic Labs from Nijmegen and Maastricht, Radboudumc and MUMC+
Classification: Uncertain significance. Review status: no assertion criteria provided. Collection method: clinical testing. Allele origin: germline. Affected: yes. Study: VKGL Data-share Consensus. Not counted in ClinVar's aggregate classification.